The following is an entry in ClinVar:

ClinVar aggregate classification (germline): Pathogenic (3 of 4 stars; one submission).

Conditions:
Glanzmann thrombasthenia. Also called: BLEEDING DISORDER, PLATELET-TYPE, 2; THROMBASTHENIA OF GLANZMANN AND NAEGELI; PLATELET GLYCOPROTEIN IIb-IIIa DEFICIENCY; Glanzmann's thrombasthenia; Thrombasthenia. Identifiers: Orphanet 849, MedGen C0040015, MONDO:0100326.

Submission:

ClinGen Platelet Disorders Variant Curation Expert Panel, ClinGen
Classification: Pathogenic for Glanzmann thrombasthenia. Last evaluated: 2020-09-06. Review status: reviewed by expert panel. Criteria: ClinGen Platelet ACMG Specifications v2. Collection method: curation. Allele origin: germline. Inheritance: Autosomal recessive inheritance.
Comment: The splicing variant, c.1545-1del, has been observed in at least three compound heterozygous patients (PMIDs: 1060770 and 20819594, 32237906). The canonical splice variant is predicted to cause the skipping of exon 16, causing a frameshift and a premature stop codon in exon 18 of 30 leading to NMD.The variant is absent form ExAC, gnomAD, and 1000 Genomes. In summary, this variant meets criteria to be classified as Pathogenic for GT. GT-specific criteria applied: PVS1, PM2_Supporting, PP4_Moderate.

NM_000419.5(ITGA2B):c.1545-1del

Gene: ITGA2B (integrin subunit alpha 2b; minus strand). Cytogenetic location: 17q21.31.
Variant type: Deletion.
Coding change: c.1545-1del on transcript NM_000419.5 (MANE Select); the canonical splice acceptor site of the intron before coding-DNA position 1545, one base deleted (G; older notation c.1545-1delG).
Molecular consequence: splice acceptor variant.
Genome position (GRCh38, 1-based): chr17:44,380,302, C deleted on the plus strand (G on the coding strand, the reverse complement: ITGA2B is on the minus strand). VCF-style (leftmost placement, unchanged base first): chr17-44380301-GC-G. GRCh37 (hg19) VCF-style: chr17-42457669-GC-G.
Identifiers: ClinVar variation 953017 (VCV000953017.3), dbSNP rs2048583710, ClinGen allele CA913189226.